The following is an entry in ClinVar:

NM_001352027.3(PHF21A):c.234A>G (p.Pro78=)

Gene: PHF21A (PHD finger protein 21A; minus strand). Cytogenetic location: 11p11.2.
Variant type: single nucleotide variant.
Coding change: c.234A>G on transcript NM_001352027.3 (MANE Select); coding-DNA position 234, A replaced by G.
Protein change: p.Pro78=; no amino-acid change (proline 78 retained).
Molecular consequence: synonymous variant. On other transcripts: non-coding transcript variant (2).
Genome position (GRCh38, 1-based): chr11:45,979,886, T>C on the plus strand (A>G on the coding strand, the complement: PHF21A is on the minus strand). VCF-style: chr11-45979886-T-C. GRCh37 (hg19) VCF-style: chr11-46001437-T-C.
Other names: c.234A>G, p.Pro78= (NM_001101802.3, NM_001352025.3, NM_001352026.3 and 6 more transcripts).
Identifiers: ClinVar variation 2641741 (VCV002641741.27), dbSNP rs140971307, ClinGen allele CA5961393.

ClinVar aggregate classification (germline): Likely benign. Review status: criteria provided, multiple submitters, no conflicts (2 of 4 stars). 2 submissions from 2 submitters: Likely benign (2). Last evaluated 2025-09-18.

Allele frequency attached by ClinVar (database versions not stated): ExAC 0.00002; TOPMed 0.00002; gnomAD 0.00004; gnomAD exomes 0.00004; ESP Exome Variant Server 0.00015.
gnomAD v4.1: 61 of 1,614,102 alleles (0.0038%); highest among the groups gnomAD compares: Non-Finnish European, 0.0051%; no homozygotes.

Submissions (2):

Labcorp Genetics (formerly Invitae), Labcorp
Classification: Likely benign. Last evaluated: 2025-09-18. Review status: criteria provided, single submitter. Criteria: Invitae Variant Classification Sherloc (09022015). Collection method: clinical testing. Allele origin: germline.

CeGaT Center for Human Genetics Tuebingen
Classification: Likely benign. Last evaluated: 2025-06-01. Review status: criteria provided, single submitter. Criteria: CeGaT Center For Human Genetics Tuebingen Variant Classification Criteria Version 2. Collection method: clinical testing. Allele origin: germline. Affected: yes. Observed: 3 variant alleles.
Comment: PHF21A: BP4, BP7